The following is an entry in ClinVar:

NM_015466.4(PTPN23):c.2185C>T (p.Arg729Cys)

Gene: PTPN23 (protein tyrosine phosphatase non-receptor type 23; plus strand). Cytogenetic location: 3p21.31.
Variant type: single nucleotide variant.
Coding change: c.2185C>T on transcript NM_015466.4 (MANE Select); coding-DNA position 2185, C replaced by T.
Protein change: p.Arg729Cys; replaces arginine 729 with cysteine.
Molecular consequence: missense variant.
Genome position (GRCh38, 1-based): chr3:47,409,983, C>T. VCF-style: chr3-47409983-C-T. GRCh37 (hg19) VCF-style: chr3-47451473-C-T.
Other names: c.2185C>T (NM_015466.2); c.1807C>T, p.Arg603Cys (NM_001304482.2); short protein forms R603C, R729C.
Identifiers: ClinVar variation 1369449 (VCV001369449.6), dbSNP rs377745077, ClinGen allele CA2365966.
Genomic context (GRCh38, chr3:47,409,983, plus strand): 5'-CACAGGGAGCTGAAGAAGAAGCCGCCGCCACGGCCCACAGCCCCAAAGCCGCTGCTGCCC[C>T]GCAGGGAGGAGAGTGAGGCAGTGGAAGCAGGAGACCCCCCTGAGGAGCTGCGCAGCCTCC-3'
Protein context (NP_056281.1, residues 719-739): RPTAPKPLLP[Arg729Cys]REESEAVEAG

ClinVar aggregate classification (germline): Uncertain significance. Review status: criteria provided, multiple submitters, no conflicts (2 of 4 stars). 2 submissions from 2 submitters: Uncertain significance (2). Last evaluated 2025-08-31.

Conditions:
Inborn genetic diseases. Identifiers: MedGen C0950123, MeSH D030342.

Allele frequency attached by ClinVar (database versions not stated): gnomAD exomes 0.00003 and 0.00008; ExAC 0.00004; gnomAD 0.00004; ESP Exome Variant Server 0.00015; 1000 Genomes Project 30x 0.00016; 1000 Genomes Project 0.00020.

Submissions (2):

Ambry Genetics
Classification: Uncertain significance for Inborn genetic diseases. Last evaluated: 2025-08-31. Review status: criteria provided, single submitter. Criteria: Ambry Variant Classification Scheme 2023. Collection method: clinical testing. Allele origin: germline.

Labcorp Genetics (formerly Invitae), Labcorp
Classification: Uncertain significance. Last evaluated: 2024-10-22. Review status: criteria provided, single submitter. Criteria: Invitae Variant Classification Sherloc (09022015). Collection method: clinical testing. Allele origin: germline.
Comment: This sequence change replaces arginine, which is basic and polar, with cysteine, which is neutral and slightly polar, at codon 729 of the PTPN23 protein (p.Arg729Cys). This variant is present in population databases (rs377745077, gnomAD 0.01%). This variant has not been reported in the literature in individuals affected with PTPN23-related conditions. ClinVar contains an entry for this variant (Variation ID: 1369449). Experimental studies and prediction algorithms are not available or were not evaluated, and the functional significance of this variant is currently unknown. In summary, the available evidence is currently insufficient to determine the role of this variant in disease. Therefore, it has been classified as a Variant of Uncertain Significance.